The following is an entry in ClinVar:

NM_201384.3(PLEC):c.5227G>A (p.Ala1743Thr)

Gene: PLEC (plectin; minus strand). Cytogenetic location: 8q24.3.
Variant type: single nucleotide variant.
Coding change: c.5227G>A on transcript NM_201384.3 (MANE Select); coding-DNA position 5227, G replaced by A.
Protein change: p.Ala1743Thr; replaces alanine 1743 with threonine.
Molecular consequence: missense variant.
Genome position (GRCh38, 1-based): chr8:143,924,702, C>T on the plus strand (G>A on the coding strand, the complement: PLEC is on the minus strand). VCF-style: chr8-143924702-C-T. GRCh37 (hg19) VCF-style: chr8-144998870-C-T.
Other names: p.Ala1770Thr; c.5308G>A, p.Ala1770Thr (NM_000445.5); c.5185G>A, p.Ala1729Thr (NM_201378.4); c.5161G>A, p.Ala1721Thr (NM_201379.3); c.5638G>A, p.Ala1880Thr (NM_201380.4); c.5131G>A, p.Ala1711Thr (NM_201381.3); c.5227G>A, p.Ala1743Thr (NM_201382.4); c.5239G>A, p.Ala1747Thr (NM_201383.3); short protein forms A1770T, A1711T, A1880T, A1721T, A1729T, A1743T, A1747T.
Identifiers: ClinVar variation 281701 (VCV000281701.96), dbSNP rs781946435, ClinGen allele CA4926400.

ClinVar aggregate classification (germline): Conflicting classifications of pathogenicity. Review status: criteria provided, conflicting classifications (1 of 4 stars). 10 submissions from 10 submitters: Uncertain significance (4); Likely benign (6). Last evaluated 2026-09-01.

Conditions:
PLEC-related disorder. Also called: PLEC-related condition; PLEC-related disorders.
Epidermolysis bullosa simplex with nail dystrophy (EBS5D). Identifiers: MedGen C4225309, MONDO:0014661, OMIM 616487.
Epidermolysis bullosa simplex 5C, with pyloric atresia (EBS5C). Also called: PLEC-Related Epidermolysis Bullosa with Pyloric Atresia; PLEC1-Related Epidermolysis Bullosa with Pyloric Atresia; Epidermolysis bullosa simplex with pyloric atresia. Identifiers: Orphanet 158684, MedGen C2677349, MONDO:0012807, OMIM 612138.
Autosomal recessive limb-girdle muscular dystrophy type 2Q (LGMDR17). Also called: MUSCULAR DYSTROPHY, LIMB-GIRDLE, AUTOSOMAL RECESSIVE 17. Identifiers: Orphanet 254361, MedGen C3150989, MONDO:0013390, OMIM 613723.
Epidermolysis bullosa simplex, Ogna type (EBS5A). Also called: Pidermolysis bullosa simplex 5A, Ogna type; EPIDERMOLYSIS BULLOSA SIMPLEX 5A, OGNA TYPE. Identifiers: Orphanet 79401, MedGen C0432317, MONDO:0007555, OMIM 131950.
Epidermolysis bullosa simplex 5B, with muscular dystrophy (EBS5B). Also called: EPIDERMOLYSIS BULLOSA SIMPLEX AND LIMB-GIRDLE MUSCULAR DYSTROPHY; Epidermolysis bullosa simplex with muscular dystrophy. Identifiers: Orphanet 257, MedGen C2931072, MONDO:0009181, OMIM 226670.

Allele frequency attached by ClinVar (database versions not stated): gnomAD exomes 0.00045 and 0.00049; gnomAD 0.00046 and 0.00049; TOPMed 0.00050; ExAC 0.00083.

Submissions (10):

CeGaT Center for Human Genetics Tuebingen
Classification: Uncertain significance. Last evaluated: 2026-09-01. Review status: criteria provided, single submitter. Criteria: CeGaT Center For Human Genetics Tuebingen Variant Classification Criteria Version 2. Collection method: clinical testing. Allele origin: germline. Affected: yes. Observed: 2 variant alleles.
Comment: PLEC: PM2

Women's Health and Genetics/Laboratory Corporation of America, LabCorp
Classification: Uncertain significance. Last evaluated: 2026-02-25. Review status: criteria provided, single submitter. Criteria: LabCorp Variant Classification Summary - May 2015. Collection method: clinical testing. Allele origin: germline.
Comment: Variant summary: PLEC c.5308G>A (p.Ala1770Thr) results in a non-conservative amino acid change in the encoded protein sequence. Algorithms developed to predict the effect of missense changes on protein structure and function all suggest that this variant is likely to be disruptive. The variant allele was found at a frequency of 0.00049 in 128842 control chromosomes, predominantly at a frequency of 0.003 within the Ashkenazi Jewish subpopulation in the gnomAD database. This frequency is not significantly higher than estimated for disease-causing variants in PLEC, allowing no conclusion about variant significance. c.5308G>A has been observed in an individual affected with affected with Emery-Dreifuss muscular dystrophy without strong evidence for causality (Meinke_2020). This report does not provide unequivocal conclusions about association of the variant withPLEC-related conditions. To our knowledge, no experimental evidence demonstrating an impact on protein function has been reported. The following publication have been ascertained in the context of this evaluation (PMID: 31862442). ClinVar contains an entry for this variant (Variation ID: 281701). Based on the evidence outlined above, the variant was classified as uncertain significance.

Labcorp Genetics (formerly Invitae), Labcorp
Classification: Likely benign for Autosomal recessive limb-girdle muscular dystrophy type 2Q; Epidermolysis bullosa simplex, Ogna type; Epidermolysis bullosa simplex with nail dystrophy; Epidermolysis bullosa simplex 5C, with pyloric atresia; Epidermolysis bullosa simplex 5B, with muscular dystrophy. Last evaluated: 2026-02-02. Review status: criteria provided, single submitter. Criteria: Invitae Variant Classification Sherloc (09022015). Collection method: clinical testing. Allele origin: germline.

PreventionGenetics, part of Exact Sciences
Classification: Likely benign for PLEC-related condition. Last evaluated: 2025-06-25. Review status: criteria provided, single submitter. Criteria: ACMG Guidelines, 2015. Collection method: clinical testing. Allele origin: germline.
Comment: This variant is classified as likely benign based on ACMG/AMP sequence variant interpretation guidelines (Richards et al. 2015 PMID: 25741868, with internal and published modifications).

Blueprint Genetics
Classification: Likely benign. Last evaluated: 2024-11-22. Review status: criteria provided, single submitter. Criteria: ACMG Guidelines, 2015. Collection method: clinical testing. Allele origin: germline.

Revvity Omics, Revvity
Classification: Likely benign. Last evaluated: 2023-12-27. Review status: criteria provided, single submitter. Criteria: ACMG Guidelines, 2015. Collection method: clinical testing. Allele origin: germline.

Mayo Clinic Laboratories, Mayo Clinic
Classification: Uncertain significance. Last evaluated: 2023-10-11. Review status: criteria provided, single submitter. Criteria: ACMG Guidelines, 2015. Collection method: clinical testing. Allele origin: germline. Observed: 1 variant allele.
Comment: BS1

GeneDx
Classification: Likely benign. Last evaluated: 2019-08-21. Review status: criteria provided, single submitter. Criteria: GeneDx Variant Classification Process June 2021. Collection method: clinical testing. Allele origin: germline. Affected: yes.
Comment: This variant is associated with the following publications: (PMID: 31862442)

Athena Diagnostics
Classification: Likely benign. Last evaluated: 2019-04-26. Review status: criteria provided, single submitter. Criteria: Athena Diagnostics Criteria. Collection method: clinical testing. Allele origin: germline.

Eurofins Ntd Llc (ga)
Classification: Uncertain significance. Last evaluated: 2015-07-23. Review status: criteria provided, single submitter. Criteria: EGL Classification Definitions 2015. Collection method: clinical testing. Allele origin: germline. Observed: 1 variant allele, 1 heterozygote.

Literature cited by the submitters: PubMed 31862442 (cited by Women's Health and Genetics/Laboratory Corporation of America, LabCorp and Mayo Clinic Laboratories, Mayo Clinic); PubMed 29970176 (cited by Mayo Clinic Laboratories, Mayo Clinic).